The following is an entry in ClinVar:

NM_145239.3(PRRT2):c.303del (p.Glu102fs)

Genes: MVP-DT (MVP divergent transcript; minus strand), PRRT2 (proline rich transmembrane protein 2; plus strand). Cytogenetic location: 16p11.2.
Variant type: Deletion.
Coding change: c.303del on transcript NM_145239.3 (MANE Select); coding-DNA position 303, one base deleted (C; older notation c.303delC).
Protein change: p.Glu102fs; shifts the reading frame from glutamic acid 102.
Molecular consequence: frameshift variant.
Genome position (GRCh38, 1-based): chr16:29,813,357, C deleted; the last of 4 consecutive C bases (chr16:29,813,354-29,813,357); deleting any one gives the same sequence. VCF-style (leftmost placement, unchanged base first): chr16-29813353-GC-G. GRCh37 (hg19) VCF-style: chr16-29824674-GC-G.
Other names: c.303del, p.Glu102fs (NM_001256442.2, NM_001256443.2); short protein forms E102fs.
Identifiers: ClinVar variation 640387 (VCV000640387.7), dbSNP rs1596890692, ClinGen allele CA915949230.
Genomic context (GRCh38, chr16:29,813,353, plus strand): 5'-AAACAGCCCAGGCCACAGACCTCAGCTTAAGCCCAGGAGGGGAATCAAAGGCCAACTGCA[GC>G]CCCGAAGACCCATGCCAAGAAACAGTGTCCAAACCAGAAGTGAGCAAAGAGGCCACTGCA-3'

ClinVar aggregate classification (germline): Pathogenic (1 of 4 stars; one submission).

Conditions:
Episodic kinesigenic dyskinesia (EKD). Also called: Paroxysmal kinesigenic dyskinesia. Identifiers: Orphanet 98809, MedGen C1868682, MONDO:0044202.

Submission:

Labcorp Genetics (formerly Invitae), Labcorp
Classification: Pathogenic for Episodic kinesigenic dyskinesia. Last evaluated: 2018-12-04. Review status: criteria provided, single submitter. Criteria: Invitae Variant Classification Sherloc (09022015). Collection method: clinical testing. Allele origin: germline.
Comment: This variant is not present in population databases (ExAC no frequency). This sequence change creates a premature translational stop signal (p.Glu102Lysfs*13) in the PRRT2 gene. It is expected to result in an absent or disrupted protein product. This variant has not been reported in the literature in individuals with PRRT2-related conditions. For these reasons, this variant has been classified as Pathogenic. Loss-of-function variants in PRRT2 are known to be pathogenic (PMID: 22623405, 22744660).

Literature cited by the submitters: PubMed 22623405; PubMed 22744660.